The following is an entry in ClinVar:

ClinVar aggregate classification (germline): Likely benign. Review status: criteria provided, multiple submitters, no conflicts (2 of 4 stars). 4 submissions from 4 submitters: Likely benign (3). 1 of the submissions does not count toward it. Last evaluated 2026-01-25.

Conditions:
Epidermodysplasia verruciformis. Identifiers: Orphanet 302, MedGen C0014522, MONDO:0009176.
TMC6-related disorder. Also called: TMC6-related condition.

Allele frequency attached by ClinVar (database versions not stated): 1000 Genomes Project 30x 0.00062; 1000 Genomes Project 0.00080; ESP Exome Variant Server 0.00108; TOPMed 0.00141; gnomAD 0.00143.
gnomAD v4.1: 2,021 of 1,614,050 alleles (0.13%); highest among the groups gnomAD compares: African/African-American, 0.29%; no homozygotes.

Submissions (4):

Labcorp Genetics (formerly Invitae), Labcorp
Classification: Likely benign for Epidermodysplasia verruciformis. Last evaluated: 2026-01-25. Review status: criteria provided, single submitter. Criteria: Invitae Variant Classification Sherloc (09022015). Collection method: clinical testing. Allele origin: germline.

Blueprint Genetics
Classification: Likely benign. Last evaluated: 2024-11-25. Review status: criteria provided, single submitter. Criteria: ACMG Guidelines, 2015. Collection method: clinical testing. Allele origin: germline.

Breakthrough Genomics
Classification: Likely benign. Review status: criteria provided, single submitter. Criteria: ACMG Guidelines, 2015. Collection method: not provided. Allele origin: germline. Inheritance: Autosomal recessive inheritance. Affected: yes.

PreventionGenetics, part of Exact Sciences
Classification: Likely benign for TMC6-related condition. Last evaluated: 2022-02-17. Review status: no assertion criteria provided. Collection method: clinical testing. Allele origin: germline. Not counted in ClinVar's aggregate classification.
Comment: This variant is classified as likely benign based on ACMG/AMP sequence variant interpretation guidelines (Richards et al. 2015 PMID: 25741868, with internal and published modifications).

NM_001127198.5(TMC6):c.1748G>A (p.Arg583Gln)

Gene: TMC6 (transmembrane channel like 6; minus strand). Cytogenetic location: 17q25.3.
Variant type: single nucleotide variant.
Coding change: c.1748G>A on transcript NM_001127198.5 (MANE Select); coding-DNA position 1748, G replaced by A.
Protein change: p.Arg583Gln; replaces arginine 583 with glutamine.
Molecular consequence: missense variant. On other transcripts: non-coding transcript variant (4).
Genome position (GRCh38, 1-based): chr17:78,119,360, C>T on the plus strand (G>A on the coding strand, the complement: TMC6 is on the minus strand). VCF-style: chr17-78119360-C-T. GRCh37 (hg19) VCF-style: chr17-76115441-C-T.
Other names: c.1748G>A, p.Arg583Gln (NM_001321185.1, NM_001374596.1, NM_001375353.1 and 2 more transcripts); c.1568G>A, p.Arg523Gln (NM_001374593.1, NM_001374594.1); short protein forms R583Q, R523Q.
Identifiers: ClinVar variation 456009 (VCV000456009.16), dbSNP rs147815166, ClinGen allele CA8795578.